The following is an entry in ClinVar:

NM_001035.3(RYR2):c.11880+4AACT[4]

Gene: RYR2 (ryanodine receptor 2; plus strand). Cytogenetic location: 1q43.
Variant type: Microsatellite.
Coding change: c.11880+4AACT[4] on transcript NM_001035.3 (MANE Select); four copies in a row of the 4-base unit AACT starting at c.11880+4; the reference has three copies in a row; one copy, 4 bases duplicated.
Molecular consequence: intron variant.
Genome position (GRCh38, 1-based): chr1:237,778,782-237,778,785, AACT duplicated; duplicating any 4 consecutive bases within chr1:237,778,774-237,778,785 gives the same sequence; the position shown is the placement nearest the transcript's 3' end. VCF-style (leftmost placement, unchanged base first): chr1-237778773-A-AAACT. GRCh37 (hg19) VCF-style: chr1-237942073-A-AAACT.
Other names: c.11880+12_11880+15dup (NM_001035.3).
Identifiers: ClinVar variation 1544810 (VCV001544810.10), dbSNP rs773240729, ClinGen allele CA529564094.

ClinVar aggregate classification (germline): Conflicting classifications of pathogenicity. Review status: criteria provided, conflicting classifications (1 of 4 stars). 2 submissions from 2 submitters: Uncertain significance (1); Likely benign (1). Last evaluated 2023-10-09.

Conditions:
Catecholaminergic polymorphic ventricular tachycardia 1. Also called: VENTRICULAR TACHYCARDIA, STRESS-INDUCED POLYMORPHIC 1; RYR2-Related Catecholaminergic Polymorphic Ventricular Tachycardia; VENTRICULAR TACHYCARDIA, CATECHOLAMINERGIC POLYMORPHIC, 1, WITH OR WITHOUT ATRIAL DYSFUNCTION AND/OR DILATED CARDIOMYOPATHY. Identifiers: Orphanet 3286, MedGen C1631597, MONDO:0011484, OMIM 604772.
Cardiomyopathy (CMYO). Also called: Cardiomyopathies. Identifiers: Orphanet 167848, MedGen C0878544, MONDO:0004994, HP:0001638. Inheritance: Various modes of inheritance.

Submissions (2):

Labcorp Genetics (formerly Invitae), Labcorp
Classification: Likely benign for Catecholaminergic polymorphic ventricular tachycardia 1. Last evaluated: 2023-10-09. Review status: criteria provided, single submitter. Criteria: Invitae Variant Classification Sherloc (09022015). Collection method: clinical testing. Allele origin: germline.

Color Diagnostics, LLC DBA Color Health
Classification: Uncertain significance for Cardiomyopathy. Last evaluated: 2022-10-11. Review status: criteria provided, single submitter. Criteria: ACMG Guidelines, 2015. Collection method: clinical testing. Allele origin: germline.
Comment: This variant causes a duplication of four nucleotides in intron 88 of the RYR2 gene. To our knowledge, functional studies have not been reported for this variant. This variant has not been reported in individuals affected with cardiovascular disorders in the literature. This variant has been identified in 1/247416 chromosomes in the general population by the Genome Aggregation Database (gnomAD). The available evidence is insufficient to determine the role of this variant in disease conclusively. Therefore, this variant is classified as a Variant of Uncertain Significance.